The following is an entry in ClinVar:

ClinVar aggregate classification (germline): Uncertain significance (1 of 4 stars; one submission).

Conditions:
Hereditary cancer-predisposing syndrome. Also called: Neoplastic Syndromes, Hereditary; Tumor predisposition; Hereditary neoplastic syndrome; Hereditary Cancer Syndrome. Identifiers: Orphanet 140162, MedGen C0027672, MeSH D009386, MONDO:0015356.

Submission:

Ambry Genetics
Classification: Uncertain significance for Hereditary cancer-predisposing syndrome. Last evaluated: 2026-07-06. Review status: criteria provided, single submitter. Criteria: Ambry Variant Classification Scheme 2023. Collection method: clinical testing. Allele origin: germline.
Comment: The p.E364A variant (also known as c.1091A>C), located in coding exon 11 of the RB1 gene, results from an A to C substitution at nucleotide position 1091. The glutamic acid at codon 364 is replaced by alanine, an amino acid with dissimilar properties. This amino acid position is conserved. In addition, the in silico prediction for this alteration is inconclusive. Based on the available evidence, the clinical significance of this variant remains unclear.

NM_000321.3(RB1):c.1091A>C (p.Glu364Ala)

Gene: RB1 (RB transcriptional corepressor 1; plus strand). Cytogenetic location: 13q14.2.
Variant type: single nucleotide variant.
Coding change: c.1091A>C on transcript NM_000321.3 (MANE Select); coding-DNA position 1091, A replaced by C.
Protein change: p.Glu364Ala; replaces glutamic acid 364 with alanine.
Molecular consequence: missense variant.
Genome position (GRCh38, 1-based): chr13:48,368,568, A>C. VCF-style: chr13-48368568-A-C. GRCh37 (hg19) VCF-style: chr13-48942704-A-C.
Other names: c.1091A>C, p.Glu364Ala (NM_001407165.1, NM_001407166.1); short protein forms E364A.
Identifiers: ClinVar variation 5027947 (VCV005027947.1).
Genomic context (GRCh38, chr13:48,368,568, plus strand): 5'-TTCACTTATTGTTATTTAGTTTTGAAACACAGAGAACACCACGAAAAAGTAACCTTGATG[A>C]AGAGGTGAATGTAATTCCTCCACACACTCCAGTTAGGTATGAATTTTCCTACTTTTAATT-3'
Protein context (NP_000312.2, residues 354-374): QRTPRKSNLD[Glu364Ala]EVNVIPPHTP